The following is an entry in ClinVar:

NM_000091.5(COL4A3):c.766-2A>G

Genes: COL4A3 (collagen type IV alpha 3 chain; plus strand), MFF-DT (MFF divergent transcript; minus strand). Cytogenetic location: 2q36.3.
Variant type: single nucleotide variant.
Coding change: c.766-2A>G on transcript NM_000091.5 (MANE Select); the canonical splice acceptor site of the intron before coding-DNA position 766, A replaced by G.
Molecular consequence: splice acceptor variant.
Genome position (GRCh38, 1-based): chr2:227,254,110, A>G. VCF-style: chr2-227254110-A-G. GRCh37 (hg19) VCF-style: chr2-228118826-A-G.
Identifiers: ClinVar variation 970003 (VCV000970003.8), dbSNP rs2069985189, ClinGen allele CA350865768.

ClinVar aggregate classification (germline): Likely pathogenic (1 of 4 stars; one submission).

Submission:

Labcorp Genetics (formerly Invitae), Labcorp
Classification: Likely pathogenic. Last evaluated: 2020-03-25. Review status: criteria provided, single submitter. Criteria: Invitae Variant Classification Sherloc (09022015). Collection method: clinical testing. Allele origin: germline.
Comment: This sequence change affects an acceptor splice site in intron 13 of the COL4A3 gene. It is expected to disrupt RNA splicing and likely results in an absent or disrupted protein product. In summary, the currently available evidence indicates that the variant is pathogenic, but additional data are needed to prove that conclusively. Therefore, this variant has been classified as Likely Pathogenic. Donor and acceptor splice site variants typically lead to a loss of protein function (PMID: 16199547), and loss-of-function variants in COL4A3 are known to be pathogenic (PMID: 8956999, 24854265, 26809805, 27281700). Algorithms developed to predict the effect of sequence changes on RNA splicing suggest that this variant may disrupt the consensus splice site, but this prediction has not been confirmed by published transcriptional studies. This variant has not been reported in the literature in individuals with COL4A3-related conditions. This variant is not present in population databases (ExAC no frequency).

Literature cited by the submitters: PubMed 16199547; PubMed 8956999; PubMed 24854265; PubMed 26809805; PubMed 27281700.